The following is an entry in ClinVar:

NM_130797.4(DPP6):c.1154T>C (p.Met385Thr)

Gene: DPP6 (dipeptidyl peptidase like 6; plus strand). Cytogenetic location: 7q36.2.
Variant type: single nucleotide variant.
Coding change: c.1154T>C on transcript NM_130797.4 (MANE Select); coding-DNA position 1154, T replaced by C.
Protein change: p.Met385Thr; replaces methionine 385 with threonine.
Molecular consequence: missense variant. On other transcripts: non-coding transcript variant (2).
Genome position (GRCh38, 1-based): chr7:154,794,096, T>C. VCF-style: chr7-154794096-T-C. GRCh37 (hg19) VCF-style: chr7-154585806-T-C.
Other names: c.962T>C, p.Met321Thr (NM_001039350.3, NM_001364501.2); c.833T>C, p.Met278Thr (NM_001290252.2); c.971T>C, p.Met324Thr (NM_001364497.2, NM_001364498.2, NM_001364499.2 and 1 more transcripts); c.968T>C, p.Met323Thr (NM_001936.5); short protein forms M321T, M278T, M323T, M324T, M385T.
Identifiers: ClinVar variation 487614 (VCV000487614.1), dbSNP rs369128533, ClinGen allele CA4583441.

ClinVar aggregate classification (germline): Uncertain significance (0 of 4 stars; one submission).

Conditions:
Wolff-Parkinson-White pattern. Also called: WPW SYNDROME; Auriculoventricular accessory pathway syndrome; False bundle branch block syndrome; Anomalous ventricular excitation syndrome. Identifiers: MedGen C0043202, MONDO:0008685, OMIM 194200, HP:0001716.

Allele frequency attached by ClinVar (database versions not stated): gnomAD exomes 0.00001 and 0.00003; gnomAD 0.00002; ExAC 0.00003; TOPMed 0.00003; ESP Exome Variant Server 0.00016.
gnomAD v4.1: 14 of 1,613,540 alleles (0.00087%); highest among the groups gnomAD compares: Non-Finnish European, 0.0011%; no homozygotes.

Submission:

Lupski Lab, Baylor-Hopkins CMG, Baylor College of Medicine
Classification: Uncertain significance for Wolff-Parkinson-White pattern. Last evaluated: 2017-07-14. Review status: no assertion criteria provided. Collection method: research. Allele origin: inherited. Affected: yes. Observed: 1 variant allele. Study: Candidate_variants_in_patients_with_ Wolff-Parkinson-White Syndrome.